The following is an entry in ClinVar:

ClinVar aggregate classification (germline): Likely benign (0 of 4 stars; one submission).

Conditions:
HSPD1-related disorder. Also called: HSPD1-related condition.

Allele frequency attached by ClinVar (database versions not stated): gnomAD exomes 0.00001.
gnomAD v4.1: 3 of 1,611,164 alleles (0.00019%); highest among the groups gnomAD compares: Middle Eastern, 0.033%; no homozygotes.

Submission:

PreventionGenetics, part of Exact Sciences
Classification: Likely benign for HSPD1-related condition. Last evaluated: 2019-07-18. Review status: no assertion criteria provided. Collection method: clinical testing. Allele origin: germline.
Comment: This variant is classified as likely benign based on ACMG/AMP sequence variant interpretation guidelines (Richards et al. 2015 PMID: 25741868, with internal and published modifications).

NM_002156.5(HSPD1):c.477T>G (p.Ser159=)

Gene: HSPD1 (heat shock protein family D (Hsp60) member 1; minus strand). Cytogenetic location: 2q33.1.
Variant type: single nucleotide variant.
Coding change: c.477T>G on transcript NM_002156.5 (MANE Select); coding-DNA position 477, T replaced by G.
Protein change: p.Ser159=; no amino-acid change (serine 159 retained).
Molecular consequence: synonymous variant.
Genome position (GRCh38, 1-based): chr2:197,495,327, A>C on the plus strand (T>G on the coding strand, the complement: HSPD1 is on the minus strand). VCF-style: chr2-197495327-A-C. GRCh37 (hg19) VCF-style: chr2-198360051-A-C.
Other names: c.477T>G, p.Ser159= (NM_199440.2).
Identifiers: ClinVar variation 3050846 (VCV003050846.2), dbSNP rs1333403005, ClinGen allele CA430560769.
Genomic context (GRCh38, chr2:197,495,327, plus strand): 5'-AAAACGTGTAACATGTTAAGTCCTTACCTGTGCAATTTCTTCAGGGGTGGTCACAGGTTT[A>C]GACTGCTTTTTAAGTTCAGCAATTACAGCATCAACAGCTAACATCACACCTAGTTCAACG-3'
Protein context (NP_002147.2, residues 149-169): DAVIAELKKQ[Ser159=]KPVTTPEEIA